The following is an entry in ClinVar:

NM_000059.4(BRCA2):c.1693G>A (p.Ala565Thr)

Gene: BRCA2 (BRCA2 DNA repair associated; plus strand). Cytogenetic location: 13q13.1.
Variant type: single nucleotide variant.
Coding change: c.1693G>A on transcript NM_000059.4 (MANE Select); coding-DNA position 1693, G replaced by A.
Protein change: p.Ala565Thr; replaces alanine 565 with threonine.
Molecular consequence: missense variant. On other transcripts: non-coding transcript variant (1), intron variant (1).
Genome position (GRCh38, 1-based): chr13:32,333,171, G>A. VCF-style: chr13-32333171-G-A. GRCh37 (hg19) VCF-style: chr13-32907308-G-A.
Other names: c.1693G>A, p.Ala565Thr (NM_001406719.1, NM_001406720.1, NM_001406721.1); c.424+2141G>A (NM_001406722.1); short protein forms A565T.
Identifiers: ClinVar variation 2698199 (VCV002698199.3), dbSNP rs2137473957, ClinGen allele CA387765202.

ClinVar aggregate classification (germline): Uncertain significance (1 of 4 stars; one submission).

Conditions:
Hereditary breast ovarian cancer syndrome. Also called: BRCA1- and BRCA2-Associated Hereditary Breast and Ovarian Cancer; Hereditary breast and ovarian cancer; Hereditary breast and ovarian cancer syndrome (HBOC); Hereditary breast and ovarian cancer syndrome; Hereditary breast and/or ovarian cancer syndrome; Breast and ovarian cancer. Identifiers: Orphanet 145, MedGen C0677776, MeSH D061325, MONDO:0003582. Disease mechanism: loss of function.

Allele frequency attached by ClinVar (database versions not stated): gnomAD exomes below 0.00001.
gnomAD v4.1: 1 of 1,614,020 alleles (0.000062%); highest among the groups gnomAD compares: Non-Finnish European, 0.000085%; no homozygotes.

Submission:

Labcorp Genetics (formerly Invitae), Labcorp
Classification: Uncertain significance for Hereditary breast ovarian cancer syndrome. Last evaluated: 2023-11-23. Review status: criteria provided, single submitter. Criteria: Invitae Variant Classification Sherloc (09022015). Collection method: clinical testing. Allele origin: germline.
Comment: This sequence change replaces alanine, which is neutral and non-polar, with threonine, which is neutral and polar, at codon 565 of the BRCA2 protein (p.Ala565Thr). This variant is not present in population databases (gnomAD no frequency). This variant has not been reported in the literature in individuals affected with BRCA2-related conditions. Advanced modeling of protein sequence and biophysical properties (such as structural, functional, and spatial information, amino acid conservation, physicochemical variation, residue mobility, and thermodynamic stability) performed at Invitae indicates that this missense variant is not expected to disrupt BRCA2 protein function with a negative predictive value of 95%. In summary, the available evidence is currently insufficient to determine the role of this variant in disease. Therefore, it has been classified as a Variant of Uncertain Significance.